The following is an entry in ClinVar:

NM_213599.3(ANO5):c.2520+25G>C

Gene: ANO5 (anoctamin 5; plus strand). Cytogenetic location: 11p14.3.
Variant type: single nucleotide variant.
Coding change: c.2520+25G>C on transcript NM_213599.3 (MANE Select); 25 bases into the intron after coding-DNA position 2520, G replaced by C.
Molecular consequence: intron variant.
Genome position (GRCh38, 1-based): chr11:22,276,224, G>C. VCF-style: chr11-22276224-G-C. GRCh37 (hg19) VCF-style: chr11-22297770-G-C.
Other names: c.2517+25G>C (NM_001142649.2).
Identifiers: ClinVar variation 140557 (VCV000140557.4), dbSNP rs11026488, ClinGen allele CA232794.

ClinVar aggregate classification (germline): Benign. Review status: criteria provided, multiple submitters, no conflicts (2 of 4 stars). 6 submissions from 4 submitters: Benign (5). 1 of the submissions does not count toward it. Last evaluated 2021-12-05.

Conditions:
Miyoshi muscular dystrophy 3 (MMD3). Also called: Miyoshi myopathy 3; Miyoshi Muscular Dystrophy 3 (MMD3). Identifiers: Orphanet 399096, MedGen C2750076, MONDO:0013222, OMIM 613319.
Gnathodiaphyseal dysplasia (GDD). Also called: GNATHODIAPHYSEAL SCLEROSIS; OSTEOGENESIS IMPERFECTA WITH UNUSUAL SKELETAL LESIONS. Identifiers: Orphanet 53697, MedGen C1833736, MONDO:0008151, OMIM 166260.
Autosomal recessive limb-girdle muscular dystrophy type 2L (LGMDR12). Also called: MUSCULAR DYSTROPHY, LIMB-GIRDLE, AUTOSOMAL RECESSIVE 12; Limb-girdle muscular dystrophy, type 2L; Limb-Girdle Muscular Dystrophy R12 Anoctamin-5-Related (LGMD-R12). Identifiers: Orphanet 206549, MedGen C1969785, MONDO:0012652, OMIM 611307.

Allele frequency attached by ClinVar (database versions not stated): ESP Exome Variant Server 0.15012; gnomAD 0.16418; TOPMed 0.18013; 1000 Genomes Project 30x 0.19660; 1000 Genomes Project 0.20647.
gnomAD v4.1: 309,607 of 1,539,740 alleles (20%); highest among the groups gnomAD compares: East Asian, 47%; 35,023 homozygotes.

Submissions (6):

Genome-Nilou Lab
Classification: Benign for Gnathodiaphyseal dysplasia. Last evaluated: 2021-12-05. Review status: criteria provided, single submitter. Criteria: ACMG Guidelines, 2015. Collection method: clinical testing. Allele origin: germline. Affected: no.

Genome-Nilou Lab
Classification: Benign for Miyoshi muscular dystrophy 3. Last evaluated: 2021-12-05. Review status: criteria provided, single submitter. Criteria: ACMG Guidelines, 2015. Collection method: clinical testing. Allele origin: germline. Affected: no.

Genome-Nilou Lab
Classification: Benign for Autosomal recessive limb-girdle muscular dystrophy type 2L. Last evaluated: 2021-12-05. Review status: criteria provided, single submitter. Criteria: ACMG Guidelines, 2015. Collection method: clinical testing. Allele origin: germline. Affected: no.

GeneDx
Classification: Benign. Last evaluated: 2018-06-19. Review status: criteria provided, single submitter. Criteria: GeneDx Variant Classification (06012015). Collection method: clinical testing. Allele origin: germline. Affected: yes.
Comment: This variant is considered likely benign or benign based on one or more of the following criteria: it is a conservative change, it occurs at a poorly conserved position in the protein, it is predicted to be benign by multiple in silico algorithms, and/or has population frequency not consistent with disease.

Breakthrough Genomics
Classification: Benign. Review status: criteria provided, single submitter. Criteria: ACMG Guidelines, 2015. Collection method: not provided. Allele origin: germline. Inheritance: Autosomal recessive inheritance. Affected: yes.

ANO5 @LOVD
No classification provided. Review status: no classification provided. Collection method: not provided. Allele origin: unknown. Not counted in ClinVar's aggregate classification.